The following is an entry in ClinVar:

NM_000051.4(ATM):c.8611A>G (p.Arg2871Gly)

Genes: ATM (ATM serine/threonine kinase; plus strand), C11orf65 (chromosome 11 open reading frame 65; minus strand). Cytogenetic location: 11q22.3.
Variant type: single nucleotide variant.
Coding change: c.8611A>G on transcript NM_000051.4 (MANE Select); coding-DNA position 8611, A replaced by G.
Protein change: p.Arg2871Gly; replaces arginine 2871 with glycine.
Molecular consequence: missense variant. On other transcripts: intron variant (2).
Genome position (GRCh38, 1-based): chr11:108,347,305, A>G. VCF-style: chr11-108347305-A-G. GRCh37 (hg19) VCF-style: chr11-108218032-A-G.
Other names: c.8611A>G, p.Arg2871Gly (NM_001351834.2); c.641-38234T>C (NM_001330368.2); c.695-12013T>C (NM_001351110.2); short protein forms R2871G.
Identifiers: ClinVar variation 853204 (VCV000853204.48), dbSNP rs2088548689, ClinGen allele CA382520584.
Genomic context (GRCh38, chr11:108,347,305, plus strand): 5'-GTGATTTCAGATTGTTTGTTTCTTTTTTCTCCAGTTGGTTACATACTTGGACTTGGTGAT[A>G]GACATGTACAGAATATCTTGATAAATGAGCAGTCAGCAGAACTTGTACATATAGATCTAG-3'
Protein context (NP_000042.3, residues 2861-2881): IVGYILGLGD[Arg2871Gly]HVQNILINEQ

ClinVar aggregate classification (germline): Uncertain significance (1 of 4 stars; one submission).

Conditions:
Ataxia-telangiectasia syndrome (AT). Also called: ATAXIA-TELANGIECTASIA, COMPLEMENTATION GROUP A; ATAXIA-TELANGIECTASIA, FRESNO VARIANT; Ataxia-telangiectasia; Ataxia-telangiectasia, complementation group D; AT, COMPLEMENTATION GROUP C; Ataxia-telangiectasia, complementation group E. Identifiers: Orphanet 100, MedGen C0004135, MONDO:0008840, OMIM 208900.

Submission:

Labcorp Genetics (formerly Invitae), Labcorp
Classification: Uncertain significance for Ataxia-telangiectasia syndrome. Last evaluated: 2019-12-27. Review status: criteria provided, single submitter. Criteria: Invitae Variant Classification Sherloc (09022015). Collection method: clinical testing. Allele origin: germline.
Comment: In summary, the available evidence is currently insufficient to determine the role of this variant in disease. Therefore, it has been classified as a Variant of Uncertain Significance. Algorithms developed to predict the effect of missense changes on protein structure and function (SIFT, PolyPhen-2, Align-GVGD) all suggest that this variant is likely to be disruptive, but these predictions have not been confirmed by published functional studies and their clinical significance is uncertain. This variant has not been reported in the literature in individuals with ATM-related conditions. This variant is not present in population databases (ExAC no frequency). This sequence change replaces arginine with glycine at codon 2871 of the ATM protein (p.Arg2871Gly). The arginine residue is highly conserved and there is a moderate physicochemical difference between arginine and glycine.